The following is an entry in ClinVar:

NM_001908.5(CTSB):c.849G>A (p.Leu283=)

Gene: CTSB (cathepsin B). Cytogenetic location: 8p23.1.
Variant type: single nucleotide variant.
Coding change: c.849G>A on transcript NM_001908.5 (MANE Select); coding-DNA position 849, G replaced by A.
Protein change: p.Leu283=; no amino-acid change (leucine 283 retained).
Molecular consequence: synonymous variant.
Genome position (GRCh38, 1-based): chr8:11,845,734, C>T on the plus strand (G>A on the coding strand, the complement: CTSB is on the minus strand). VCF-style: chr8-11845734-C-T. GRCh37 (hg19) VCF-style: chr8-11703243-C-T.
Other names: c.477G>A, p.Leu159= (NM_001317237.2); c.849G>A, p.Leu283= (NM_147780.4, NM_147781.4, NM_147782.4 and 1 more transcripts).
Identifiers: ClinVar variation 710600 (VCV000710600.13), dbSNP rs146909557, ClinGen allele CA4632434.

ClinVar aggregate classification (germline): Benign/Likely benign. Review status: criteria provided, multiple submitters, no conflicts (2 of 4 stars). 4 submissions from 4 submitters: Benign (2); Likely benign (1). 1 of the submissions does not count toward it. Last evaluated 2025-10-01.

Conditions:
CTSB-related disorder. Also called: CTSB-related condition.

Allele frequency attached by ClinVar (database versions not stated): 1000 Genomes Project 0.00180; 1000 Genomes Project 30x 0.00203; gnomAD 0.00224 and 0.00236; ESP Exome Variant Server 0.00246; TOPMed 0.00268.
gnomAD v4.1: 728 of 1,614,160 alleles (0.045%); highest among the groups gnomAD compares: African/African-American, 0.76%; 4 homozygotes.

Submissions (4):

Labcorp Genetics (formerly Invitae), Labcorp
Classification: Benign. Last evaluated: 2025-10-01. Review status: criteria provided, single submitter. Criteria: Invitae Variant Classification Sherloc (09022015). Collection method: clinical testing. Allele origin: germline.

Blueprint Genetics
Classification: Likely benign. Last evaluated: 2024-10-18. Review status: criteria provided, single submitter. Criteria: ACMG Guidelines, 2015. Collection method: clinical testing. Allele origin: germline.

Breakthrough Genomics
Classification: Benign. Review status: criteria provided, single submitter. Criteria: ACMG Guidelines, 2015. Collection method: not provided. Allele origin: germline. Inheritance: Autosomal dominant inheritance. Affected: yes.

PreventionGenetics, part of Exact Sciences
Classification: Benign for CTSB-related condition. Last evaluated: 2019-06-25. Review status: no assertion criteria provided. Collection method: clinical testing. Allele origin: germline. Not counted in ClinVar's aggregate classification.
Comment: This variant is classified as benign based on ACMG/AMP sequence variant interpretation guidelines (Richards et al. 2015 PMID: 25741868, with internal and published modifications).